The following is an entry in ClinVar:

ClinVar aggregate classification (germline): Pathogenic (1 of 4 stars; one submission).

Conditions:
Werner syndrome (WRN). Identifiers: Orphanet 902, MedGen C0043119, MONDO:0010196, OMIM 277700.

Submission:

Labcorp Genetics (formerly Invitae), Labcorp
Classification: Pathogenic for Werner syndrome. Last evaluated: 2023-04-26. Review status: criteria provided, single submitter. Criteria: Invitae Variant Classification Sherloc (09022015). Collection method: clinical testing. Allele origin: germline.
Comment: For these reasons, this variant has been classified as Pathogenic. ClinVar contains an entry for this variant (Variation ID: 2099743). This variant has not been reported in the literature in individuals affected with WRN-related conditions. This variant is not present in population databases (gnomAD no frequency). This sequence change creates a premature translational stop signal (p.Glu335*) in the WRN gene. It is expected to result in an absent or disrupted protein product. Loss-of-function variants in WRN are known to be pathogenic (PMID: 16673358).

Literature cited by the submitters: PubMed 16673358.

NM_000553.6(WRN):c.1003G>T (p.Glu335Ter)

Gene: WRN (WRN RecQ like helicase; plus strand). Cytogenetic location: 8p12.
Variant type: single nucleotide variant.
Coding change: c.1003G>T on transcript NM_000553.6 (MANE Select); coding-DNA position 1003, G replaced by T.
Protein change: p.Glu335Ter; replaces glutamic acid 335 with a stop codon.
Molecular consequence: nonsense.
Genome position (GRCh38, 1-based): chr8:31,081,030, G>T. VCF-style: chr8-31081030-G-T. GRCh37 (hg19) VCF-style: chr8-30938546-G-T.
Other names: short protein forms E335*.
Identifiers: ClinVar variation 2099743 (VCV002099743.4), dbSNP rs2535910363, ClinGen allele CA370920210.